The following is an entry in ClinVar:

ClinVar aggregate classification (germline): Uncertain significance (1 of 4 stars; one submission).

Conditions:
Cohen syndrome (COH1). Also called: Cutis verticis gyrata, retinitis pigmentosa, and sensorineural deafness; PEPPER SYNDROME. Identifiers: Orphanet 193, MedGen C0265223, MONDO:0008999, OMIM 216550.

Submission:

Labcorp Genetics (formerly Invitae), Labcorp
Classification: Uncertain significance for Cohen syndrome. Last evaluated: 2019-11-01. Review status: criteria provided, single submitter. Criteria: Invitae Variant Classification Sherloc (09022015). Collection method: clinical testing. Allele origin: germline.
Comment: This variant has not been reported in the literature in individuals with VPS13B-related conditions. Algorithms developed to predict the effect of missense changes on protein structure and function are either unavailable or do not agree on the potential impact of this missense change (SIFT: "Tolerated"; PolyPhen-2: "Probably Damaging"; Align-GVGD: "Class C0"). In summary, the available evidence is currently insufficient to determine the role of this variant in disease. Therefore, it has been classified as a Variant of Uncertain Significance. This variant is not present in population databases (ExAC no frequency). This sequence change replaces asparagine with histidine at codon 1082 of the VPS13B protein (p.Asn1082His). The asparagine residue is moderately conserved and there is a small physicochemical difference between asparagine and histidine.

NM_152564.5(VPS13B):c.3244A>C (p.Asn1082His)

Gene: VPS13B (vacuolar protein sorting 13 homolog B; plus strand). Cytogenetic location: 8q22.2.
Variant type: single nucleotide variant.
Coding change: c.3244A>C on transcript NM_152564.5 (MANE Select); coding-DNA position 3244, A replaced by C.
Protein change: p.Asn1082His; replaces asparagine 1082 with histidine.
Molecular consequence: missense variant.
Genome position (GRCh38, 1-based): chr8:99,442,434, A>C. VCF-style: chr8-99442434-A-C. GRCh37 (hg19) VCF-style: chr8-100454662-A-C.
Other names: c.3244A>C, p.Asn1082His (NM_017890.5); short protein forms N1082H.
Identifiers: ClinVar variation 970864 (VCV000970864.8), dbSNP rs765577339, ClinGen allele CA371870400.
Genomic context (GRCh38, chr8:99,442,434, plus strand): 5'-TATTTTAATTCTGCTTTTCTTTTCTAGCTTGAAGTACAATCTTGTTGTGTGTTTATTCCA[A>C]ATGATAGCCTGCCTTCCCCAAGTACAATTGTATCTGGTGACATTCCTGGAACAGTAAGAA-3'
Protein context (NP_689777.3, residues 1072-1092): EVQSCCVFIP[Asn1082His]DSLPSPSTIV